The following is an entry in ClinVar:

NM_032444.4(SLX4):c.4508C>G (p.Pro1503Arg)

Gene: SLX4 (SLX4 structure-specific endonuclease subunit; minus strand). Cytogenetic location: 16p13.3.
Variant type: single nucleotide variant.
Coding change: c.4508C>G on transcript NM_032444.4 (MANE Select); coding-DNA position 4508, C replaced by G.
Protein change: p.Pro1503Arg; replaces proline 1503 with arginine.
Molecular consequence: missense variant.
Genome position (GRCh38, 1-based): chr16:3,589,130, G>C on the plus strand (C>G on the coding strand, the complement: SLX4 is on the minus strand). VCF-style: chr16-3589130-G-C. GRCh37 (hg19) VCF-style: chr16-3639131-G-C.
Other names: short protein forms P1503R.
Identifiers: ClinVar variation 942378 (VCV000942378.9), dbSNP rs370637700, ClinGen allele CA7865618.

ClinVar aggregate classification (germline): Uncertain significance (1 of 4 stars; one submission).

Conditions:
Fanconi anemia (FA). Also called: Fanconi's anemia. Identifiers: Orphanet 84, MedGen C0015625, MeSH D005199, MONDO:0019391.

gnomAD v4.1: 1 of 1,614,048 alleles (0.000062%); highest among the groups gnomAD compares: East Asian, 0.0022%; no homozygotes.

Submission:

Labcorp Genetics (formerly Invitae), Labcorp
Classification: Uncertain significance for Fanconi anemia. Last evaluated: 2019-09-11. Review status: criteria provided, single submitter. Criteria: Invitae Variant Classification Sherloc (09022015). Collection method: clinical testing. Allele origin: germline.
Comment: In summary, the available evidence is currently insufficient to determine the role of this variant in disease. Therefore, it has been classified as a Variant of Uncertain Significance. Algorithms developed to predict the effect of missense changes on protein structure and function (SIFT, PolyPhen-2, Align-GVGD) all suggest that this variant is likely to be tolerated, but these predictions have not been confirmed by published functional studies and their clinical significance is uncertain. This variant has not been reported in the literature in individuals with SLX4-related conditions. This variant is present in population databases (rs370637700, ExAC 0.01%). This sequence change replaces proline with arginine at codon 1503 of the SLX4 protein (p.Pro1503Arg). The proline residue is weakly conserved and there is a moderate physicochemical difference between proline and arginine.